The following is an entry in ClinVar:

ClinVar aggregate classification (germline): Uncertain significance. Review status: criteria provided, multiple submitters, no conflicts (2 of 4 stars). 2 submissions from 2 submitters: Uncertain significance (2). Last evaluated 2024-06-27.

Allele frequency attached by ClinVar (database versions not stated): gnomAD 0.00006; ESP Exome Variant Server 0.00008; gnomAD exomes 0.00010; TOPMed 0.00004.

Submissions (2):

Blueprint Genetics
Classification: Uncertain significance. Last evaluated: 2024-06-27. Review status: criteria provided, single submitter. Criteria: ACMG Guidelines, 2015. Collection method: clinical testing. Allele origin: germline.

Labcorp Genetics (formerly Invitae), Labcorp
Classification: Uncertain significance. Last evaluated: 2022-05-28. Review status: criteria provided, single submitter. Criteria: Invitae Variant Classification Sherloc (09022015). Collection method: clinical testing. Allele origin: germline.
Comment: This sequence change replaces serine, which is neutral and polar, with leucine, which is neutral and non-polar, at codon 2338 of the GPR179 protein (p.Ser2338Leu). This variant is present in population databases (rs371834676, gnomAD 0.03%). This variant has not been reported in the literature in individuals affected with GPR179-related conditions. ClinVar contains an entry for this variant (Variation ID: 1488810). Algorithms developed to predict the effect of missense changes on protein structure and function are either unavailable or do not agree on the potential impact of this missense change (SIFT: "Deleterious"; PolyPhen-2: "Benign"; Align-GVGD: "Class C0"). In summary, the available evidence is currently insufficient to determine the role of this variant in disease. Therefore, it has been classified as a Variant of Uncertain Significance.

NM_001004334.4(GPR179):c.7013C>T (p.Ser2338Leu)

Gene: GPR179 (G protein-coupled receptor 179; minus strand). Cytogenetic location: 17q12.
Variant type: single nucleotide variant.
Coding change: c.7013C>T on transcript NM_001004334.4 (MANE Select); coding-DNA position 7013, C replaced by T.
Protein change: p.Ser2338Leu; replaces serine 2338 with leucine.
Molecular consequence: missense variant.
Genome position (GRCh38, 1-based): chr17:38,326,556, G>A on the plus strand (C>T on the coding strand, the complement: GPR179 is on the minus strand). VCF-style: chr17-38326556-G-A. GRCh37 (hg19) VCF-style: chr17-36482439-G-A.
Other names: short protein forms S2338L.
Identifiers: ClinVar variation 1488810 (VCV001488810.6), dbSNP rs371834676, ClinGen allele CA290102685.